The following is an entry in ClinVar:

ClinVar aggregate classification (germline): Uncertain significance. Review status: criteria provided, multiple submitters, no conflicts (2 of 4 stars). 2 submissions from 2 submitters: Uncertain significance (2). Last evaluated 2026-08-11.

Conditions:
Febrile seizures, familial, 4 (FEB4). Also called: CONVULSIONS, FAMILIAL FEBRILE, 4. Identifiers: MedGen C1858493, MONDO:0011443, OMIM 604352.

Allele frequency attached by ClinVar (database versions not stated): TOPMed 0.00001; gnomAD 0.00001; gnomAD exomes below 0.00001.
gnomAD v4.1: 3 of 1,600,608 alleles (0.00019%); highest among the groups gnomAD compares: African/African-American, 0.0013%; no homozygotes.

Submissions (2):

GeneDx
Classification: Uncertain significance. Last evaluated: 2026-08-11. Review status: criteria provided, single submitter. Criteria: GeneDx Variant Classification Process June 2021. Collection method: clinical testing. Allele origin: germline.
Comment: Not observed at significant frequency in large population cohorts (gnomAD); In silico analysis suggests that this missense variant does not alter protein structure/function; Has not been previously published as pathogenic or benign to our knowledge

New York Genome Center
Classification: Uncertain significance for Febrile seizures, familial, 4. Last evaluated: 2021-01-22. Review status: criteria provided, single submitter. Criteria: NYGC Assertion Criteria 2020. Collection method: clinical testing. Allele origin: inherited. Observed: 1 heterozygote. Study: CSER-NYCKidSeq.

NM_032119.4(ADGRV1):c.259A>G (p.Ile87Val)

Gene: ADGRV1 (adhesion G protein-coupled receptor V1; plus strand). Cytogenetic location: 5q14.3.
Variant type: single nucleotide variant.
Coding change: c.259A>G on transcript NM_032119.4 (MANE Select); coding-DNA position 259, A replaced by G.
Protein change: p.Ile87Val; replaces isoleucine 87 with valine.
Molecular consequence: missense variant. On other transcripts: non-coding transcript variant (1).
Genome position (GRCh38, 1-based): chr5:90,617,855, A>G. VCF-style: chr5-90617855-A-G. GRCh37 (hg19) VCF-style: chr5-89913672-A-G.
Other names: c.259A>G (NM_032119.3); short protein forms I87V.
Identifiers: ClinVar variation 1341765 (VCV001341765.3), dbSNP rs1763564700, ClinGen allele CA360385316.
Genomic context (GRCh38, chr5:90,617,855, plus strand): 5'-ATTTGATAGCTGTATGGAGAGGACGCTGGTGACTTTTTTGACACATATGCTGCAGCTTTT[A>G]TACCTGCCGGAGAAACAAACAGAACAGTGTACATAGCAGTATGTGATGATGACTTACCAG-3'
Protein context (NP_115495.3, residues 77-97): DFFDTYAAAF[Ile87Val]PAGETNRTVY